The following is an entry in ClinVar:

ClinVar aggregate classification (germline): Benign (1 of 4 stars; one submission).

Conditions:
Leigh syndrome (NULS). Also called: Leigh's necrotizing encephalopathy; Leigh's disease; Leigh's syndrome; LEIGH SYNDROME, NUCLEAR; Leigh Syndrome (mtDNA deletion); Leigh Disease. Identifiers: Orphanet 506, MedGen C2931891, MONDO:0009723, OMIM 256000.

Submission:

Wong Mito Lab, Molecular and Human Genetics, Baylor College of Medicine
Classification: Benign for Leigh syndrome. Last evaluated: 2019-10-17. Review status: criteria provided, single submitter. Criteria: Modified ACMG Guidelines (Unpublished). Collection method: clinical testing. Allele origin: germline.
Comment: The NC_012920.1:m.15773G>A (YP_003024038.1:p.Val343Met) variant in MTCYB gene is interpretated to be a Benign variant based on the modified ACMG guidelines (unpublished). This variant meets the following evidence codes: BS1, BS2

NC_012920.1(MT-CYB):m.15773G>A

Gene: MT-CYB (mitochondrially encoded cytochrome b; plus strand).
Variant type: single nucleotide variant.
Genome position: chrM-15773-G-A.
Identifiers: ClinVar variation 693947 (VCV000693947.1), dbSNP rs386829261, ClinGen allele CA337100519.